The following is an entry in ClinVar:

ClinVar aggregate classification (germline): Uncertain significance (1 of 4 stars; one submission).

Allele frequency attached by ClinVar (database versions not stated): gnomAD exomes below 0.00001; TOPMed below 0.00001.
gnomAD v4.1: 4 of 1,613,732 alleles (0.00025%); highest among the groups gnomAD compares: African/African-American, 0.0013%; no homozygotes.

Submission:

Labcorp Genetics (formerly Invitae), Labcorp
Classification: Uncertain significance. Last evaluated: 2022-10-04. Review status: criteria provided, single submitter. Criteria: Invitae Variant Classification Sherloc (09022015). Collection method: clinical testing. Allele origin: germline.
Comment: In summary, the available evidence is currently insufficient to determine the role of this variant in disease. Therefore, it has been classified as a Variant of Uncertain Significance. Algorithms developed to predict the effect of missense changes on protein structure and function output the following: SIFT: "Tolerated"; PolyPhen-2: "Benign"; Align-GVGD: "Class C0". The serine amino acid residue is found in multiple mammalian species, which suggests that this missense change does not adversely affect protein function. ClinVar contains an entry for this variant (Variation ID: 963738). This variant has not been reported in the literature in individuals affected with PCARE-related conditions. This variant is not present in population databases (gnomAD no frequency). This sequence change replaces proline, which is neutral and non-polar, with serine, which is neutral and polar, at codon 965 of the PCARE protein (p.Pro965Ser).

NM_001029883.3(PCARE):c.2893C>T (p.Pro965Ser)

Gene: PCARE (photoreceptor cilium actin regulator; minus strand). Cytogenetic location: 2p23.2.
Variant type: single nucleotide variant.
Coding change: c.2893C>T on transcript NM_001029883.3 (MANE Select); coding-DNA position 2893, C replaced by T.
Protein change: p.Pro965Ser; replaces proline 965 with serine.
Molecular consequence: missense variant.
Genome position (GRCh38, 1-based): chr2:29,071,369, G>A on the plus strand (C>T on the coding strand, the complement: PCARE is on the minus strand). VCF-style: chr2-29071369-G-A. GRCh37 (hg19) VCF-style: chr2-29294235-G-A.
Other names: short protein forms P965S.
Identifiers: ClinVar variation 963738 (VCV000963738.9), dbSNP rs1667478789, ClinGen allele CA346476209.